The following is an entry in ClinVar:

NM_002609.4(PDGFRB):c.1945A>G (p.Met649Val)

Gene: PDGFRB (platelet derived growth factor receptor beta; minus strand). Cytogenetic location: 5q32.
Variant type: single nucleotide variant.
Coding change: c.1945A>G on transcript NM_002609.4 (MANE Select); coding-DNA position 1945, A replaced by G.
Protein change: p.Met649Val; replaces methionine 649 with valine.
Molecular consequence: missense variant.
Genome position (GRCh38, 1-based): chr5:150,124,328, T>C on the plus strand (A>G on the coding strand, the complement: PDGFRB is on the minus strand). VCF-style: chr5-150124328-T-C. GRCh37 (hg19) VCF-style: chr5-149503891-T-C.
Other names: c.1753A>G, p.Met585Val (NM_001355016.2); c.1462A>G, p.Met488Val (NM_001355017.2); short protein forms M488V, M585V, M649V.
Identifiers: ClinVar variation 3363397 (VCV003363397.1).

ClinVar aggregate classification (germline): Uncertain significance (1 of 4 stars; one submission).

gnomAD v4.1: 1 of 1,614,134 alleles (0.000062%); highest among the groups gnomAD compares: South Asian, 0.0011%; no homozygotes.

Submission:

GeneDx
Classification: Uncertain significance. Last evaluated: 2023-10-24. Review status: criteria provided, single submitter. Criteria: GeneDx Variant Classification Process June 2021. Collection method: clinical testing. Allele origin: germline. Affected: yes.
Comment: Not observed at significant frequency in large population cohorts (gnomAD); In silico analysis supports that this missense variant has a deleterious effect on protein structure/function; Has not been previously published as pathogenic or benign to our knowledge